The following is an entry in ClinVar:

NM_032888.4(COL27A1):c.62+1G>T

Gene: COL27A1 (collagen type XXVII alpha 1 chain; plus strand). Cytogenetic location: 9q32.
Variant type: single nucleotide variant.
Coding change: c.62+1G>T on transcript NM_032888.4 (MANE Select); the canonical splice donor site of the intron after coding-DNA position 62, G replaced by T.
Molecular consequence: splice donor variant.
Genome position (GRCh38, 1-based): chr9:114,156,013, G>T. VCF-style: chr9-114156013-G-T. GRCh37 (hg19) VCF-style: chr9-116918293-G-T.
Identifiers: ClinVar variation 1339013 (VCV001339013.7), dbSNP rs1848097390, ClinGen allele CA374586842.

ClinVar aggregate classification (germline): Likely pathogenic. Review status: criteria provided, multiple submitters, no conflicts (2 of 4 stars). 2 submissions from 2 submitters: Likely pathogenic (2). Last evaluated 2023-10-28.

Conditions:
Steel syndrome (STLS). Identifiers: Orphanet 438117, MedGen C3554594, MONDO:0014061, OMIM 615155.

Allele frequency attached by ClinVar (database versions not stated): gnomAD exomes below 0.00001; TOPMed below 0.00001.
gnomAD v4.1: 2 of 1,298,516 alleles (0.00015%); highest among the groups gnomAD compares: Non-Finnish European, 0.0002%; no homozygotes.

Submissions (2):

Labcorp Genetics (formerly Invitae), Labcorp
Classification: Likely pathogenic. Last evaluated: 2023-10-28. Review status: criteria provided, single submitter. Criteria: Invitae Variant Classification Sherloc (09022015). Collection method: clinical testing. Allele origin: germline.
Comment: This sequence change affects a donor splice site in intron 1 of the COL27A1 gene. It is expected to disrupt RNA splicing. Variants that disrupt the donor or acceptor splice site typically lead to a loss of protein function (PMID: 16199547), and loss-of-function variants in COL27A1 are known to be pathogenic (PMID: 24986830, 28276056). This variant is not present in population databases (gnomAD no frequency). This variant has not been reported in the literature in individuals affected with COL27A1-related conditions. ClinVar contains an entry for this variant (Variation ID: 1339013). Algorithms developed to predict the effect of sequence changes on RNA splicing suggest that this variant may disrupt the consensus splice site. In summary, the currently available evidence indicates that the variant is pathogenic, but additional data are needed to prove that conclusively. Therefore, this variant has been classified as Likely Pathogenic.

Neuberg Centre For Genomic Medicine, NCGM
Classification: Likely pathogenic for Steel syndrome. Review status: criteria provided, single submitter. Criteria: ACMG Guidelines, 2015. Collection method: clinical testing. Allele origin: germline. Affected: yes.
Comment: The splice donor variant c.62+1G>T in COL27A1 (NM_032888.4) has not been reported previously as a pathogenic variant nor as a benign variant, to our knowledge. The c.62+1G>T variant is novel (not in any individuals) in gnomAD Exomes and is novel (not in any individuals) in 1000 Genomes. This variant mutates affects an invariant splice site and hence is predicted to cause loss of function. For these reasons, this variant has been classified as Likely Pathogenic.

Literature cited by the submitters: PubMed 16199547 (cited by Labcorp Genetics (formerly Invitae), Labcorp); PubMed 24986830 (cited by Labcorp Genetics (formerly Invitae), Labcorp); PubMed 28276056 (cited by Labcorp Genetics (formerly Invitae), Labcorp).